The following is an entry in ClinVar:

NM_007294.4(BRCA1):c.440T>C (p.Leu147Ser)

Gene: BRCA1 (BRCA1 DNA repair associated; minus strand). Cytogenetic location: 17q21.31.
Variant type: single nucleotide variant.
Coding change: c.440T>C on transcript NM_007294.4 (MANE Select); coding-DNA position 440, T replaced by C.
Protein change: p.Leu147Ser; replaces leucine 147 with serine.
Molecular consequence: missense variant. On other transcripts: intron variant (2).
Genome position (GRCh38, 1-based): chr17:43,104,123, A>G on the plus strand (T>C on the coding strand, the complement: BRCA1 is on the minus strand). VCF-style: chr17-43104123-A-G. GRCh37 (hg19) VCF-style: chr17-41256140-A-G.
Other names: c.440T>C, p.Leu147Ser (NM_001408403.1, NM_001408404.1, NM_001408406.1 and 164 more transcripts); c.431T>C, p.Leu144Ser (NM_001408408.1, NM_001407646.1, NM_001407647.1); c.362T>C, p.Leu121Ser (NM_001408412.1, NM_001408414.1, NM_001408409.1 and 21 more transcripts); c.299T>C, p.Leu100Ser (NM_001408410.1, NM_001407692.1, NM_001407694.1 and 99 more transcripts); c.230T>C, p.Leu77Ser (NM_001407571.1, NM_001407853.1, NM_001407879.1 and 58 more transcripts); c.308T>C, p.Leu103Ser (NM_001408451.1); c.59T>C, p.Leu20Ser (NM_001407959.1, NM_001407960.1, NM_001407962.1 and 4 more transcripts); c.-218-9263T>C (NM_001407967.1, NM_001407966.1); short protein forms L103S, L144S, L77S, L147S, L20S, L100S, L121S.
Identifiers: ClinVar variation 4725926 (VCV004725926.1).
Genomic context (GRCh38, chr17:43,104,123, plus strand): 5'-AAAAAAAGAAAAAAAAAAGAAAAGAAGAAGAAGAAGAAGAAGAAAACAAATGGTTTTACC[A>G]AGGAAGGATTTTCGGGTTCACTCTGTAGAAGTCTTTTGGCACGGTTTCTGTAGCCCATAC-3'
Protein context (NP_009225.1, residues 137-157): LLQSEPENPS[Leu147Ser]QETSLSVQLS

ClinVar aggregate classification (germline): Uncertain significance (1 of 4 stars; one submission).

Conditions:
Hereditary breast ovarian cancer syndrome. Also called: Hereditary breast and/or ovarian cancer syndrome; Hereditary breast and ovarian cancer syndrome; Breast and ovarian cancer; Hereditary breast and ovarian cancer syndrome (HBOC); BRCA1- and BRCA2-Associated Hereditary Breast and Ovarian Cancer; Hereditary breast and ovarian cancer. Identifiers: Orphanet 145, MedGen C0677776, MeSH D061325, MONDO:0003582. Disease mechanism: loss of function.

Submission:

Labcorp Genetics (formerly Invitae), Labcorp
Classification: Uncertain significance for Hereditary breast ovarian cancer syndrome. Last evaluated: 2025-08-24. Review status: criteria provided, single submitter. Criteria: Invitae Variant Classification Sherloc (09022015). Collection method: clinical testing. Allele origin: germline.
Comment: This sequence change replaces leucine, which is neutral and non-polar, with serine, which is neutral and polar, at codon 147 of the BRCA1 protein (p.Leu147Ser). This variant is not present in population databases (gnomAD no frequency). This variant has not been reported in the literature in individuals affected with BRCA1-related conditions. An algorithm developed to predict the effect of missense changes on protein structure and function (PolyPhen-2) suggests that this variant is likely to be disruptive. In summary, the available evidence is currently insufficient to determine the role of this variant in disease. Therefore, it has been classified as a Variant of Uncertain Significance.